The following is an entry in ClinVar:

ClinVar aggregate classification (germline): Likely benign. Review status: criteria provided, multiple submitters, no conflicts (2 of 4 stars). 3 submissions from 3 submitters: Likely benign (3). Last evaluated 2026-06-06.

Conditions:
TMEM67-related disorder. Also called: TMEM67-related condition; TMEM67-related disorders. Identifiers: MedGen CN239423.
Meckel-Gruber syndrome. Also called: Dysencephalia splachnocystica; DYSENCEPHALIA SPLANCHNOCYSTICA; GRUBER SYNDROME. Identifiers: Orphanet 564, MedGen C0265215, MONDO:0018921.
Joubert syndrome. Also called: Familial aplasia of the vermis; JOUBERT-BOLTSHAUSER SYNDROME. Identifiers: Orphanet 475, MedGen C5979921, MONDO:0018772.

Allele frequency attached by ClinVar (database versions not stated): TOPMed 0.00002.
gnomAD v4.1: 2 of 1,613,898 alleles (0.00012%); highest among the groups gnomAD compares: Non-Finnish European, 0.00017%; no homozygotes.

Submissions (3):

PreventionGenetics, part of Exact Sciences
Classification: Likely benign for TMEM67-related condition. Last evaluated: 2026-06-06. Review status: criteria provided, single submitter. Criteria: ACMG Guidelines, 2015. Collection method: clinical testing. Allele origin: germline.
Comment: This variant is classified as likely benign based on ACMG/AMP sequence variant interpretation guidelines (Richards et al. 2015 PMID: 25741868, with internal and published modifications).

Labcorp Genetics (formerly Invitae), Labcorp
Classification: Likely benign for Joubert syndrome; Meckel-Gruber syndrome. Last evaluated: 2023-04-14. Review status: criteria provided, single submitter. Criteria: Invitae Variant Classification Sherloc (09022015). Collection method: clinical testing. Allele origin: germline.

Blueprint Genetics
Classification: Likely benign. Last evaluated: 2022-04-29. Review status: criteria provided, single submitter. Criteria: ACMG Guidelines, 2015. Collection method: clinical testing. Allele origin: germline.

NM_153704.6(TMEM67):c.2202A>G (p.Ala734=)

Gene: TMEM67 (transmembrane protein 67; plus strand). Cytogenetic location: 8q22.1.
Variant type: single nucleotide variant.
Coding change: c.2202A>G on transcript NM_153704.6 (MANE Select); coding-DNA position 2202, A replaced by G.
Protein change: p.Ala734=; no amino-acid change (alanine 734 retained).
Molecular consequence: synonymous variant. On other transcripts: non-coding transcript variant (1).
Genome position (GRCh38, 1-based): chr8:93,799,719, A>G. VCF-style: chr8-93799719-A-G. GRCh37 (hg19) VCF-style: chr8-94811947-A-G.
Other names: c.1959A>G, p.Ala653= (NM_001142301.1).
Identifiers: ClinVar variation 2936538 (VCV002936538.5), dbSNP rs1814783691, ClinGen allele CA461866339.
Genomic context (GRCh38, chr8:93,799,719, plus strand): 5'-TAGTCTTTCTAGAAACCCACCTAGCTACATAGCTCCTTATAGCTGCATTTTGAGATATGC[A>G]GTGTCTGCTGCTCTTTGGCTAGCCATTGGAATTATACAGGTAAGGAATTATACAGGTAAT-3'
Protein context (NP_714915.3, residues 724-744): IAPYSCILRY[Ala734=]VSAALWLAIG